The following is an entry in ClinVar:

NM_001754.5(RUNX1):c.641C>A (p.Thr214Asn)

Gene: RUNX1 (RUNX family transcription factor 1; minus strand). Cytogenetic location: 21q22.12.
Variant type: single nucleotide variant.
Coding change: c.641C>A on transcript NM_001754.5 (MANE Select); coding-DNA position 641, C replaced by A.
Protein change: p.Thr214Asn; replaces threonine 214 with asparagine.
Molecular consequence: missense variant.
Genome position (GRCh38, 1-based): chr21:34,834,574, G>T on the plus strand (C>A on the coding strand, the complement: RUNX1 is on the minus strand). VCF-style: chr21-34834574-G-T. GRCh37 (hg19) VCF-style: chr21-36206871-G-T.
Other names: c.560C>A, p.Thr187Asn (NM_001001890.3, NM_001122607.2); short protein forms T214N, T187N.
Identifiers: ClinVar variation 4719258 (VCV004719258.1).

ClinVar aggregate classification (germline): Uncertain significance (1 of 4 stars; one submission).

Conditions:
Hereditary thrombocytopenia and hematological cancer predisposition syndrome associated with RUNX1. Also called: Familial Platelet Disorder with Propensity to Acute Myelogenous Leukemia; Familial thrombocytopenia with propensity to acute myelogenous leukemia; PLATELET DISORDER, ASPIRIN-LIKE; RUNX1 Familial Platelet Disorder with Associated Myeloid Malignancies. Identifiers: Orphanet 71290, MedGen C1832388, MeSH C563324, MONDO:0100083, OMIM 601399.

Submission:

Labcorp Genetics (formerly Invitae), Labcorp
Classification: Uncertain significance for Hereditary thrombocytopenia and hematological cancer predisposition syndrome associated with RUNX1. Last evaluated: 2025-11-09. Review status: criteria provided, single submitter. Criteria: Invitae Variant Classification Sherloc (09022015). Collection method: clinical testing. Allele origin: germline.
Comment: This sequence change replaces threonine, which is neutral and polar, with asparagine, which is neutral and polar, at codon 214 of the RUNX1 protein (p.Thr214Asn). This variant is not present in population databases (gnomAD no frequency). This variant has not been reported in the literature in individuals affected with RUNX1-related conditions. Invitae Evidence Modeling of protein sequence and biophysical properties (such as structural, functional, and spatial information, amino acid conservation, physicochemical variation, residue mobility, and thermodynamic stability) has been performed for this missense variant. However, the output from this modeling did not meet the statistical confidence thresholds required to predict the impact of this variant on RUNX1 protein function. In summary, the available evidence is currently insufficient to determine the role of this variant in disease. Therefore, it has been classified as a Variant of Uncertain Significance.